The following is an entry in ClinVar:

ClinVar aggregate classification (germline): Uncertain significance. Review status: criteria provided, multiple submitters, no conflicts (2 of 4 stars). 2 submissions from 2 submitters: Uncertain significance (2). Last evaluated 2024-03-12.

Conditions:
Luscan-Lumish syndrome. Identifiers: Orphanet 597738, MedGen C4085873, MONDO:0014791, OMIM 616831.
Inborn genetic diseases. Identifiers: MedGen C0950123, MeSH D030342.

gnomAD v4.1: 1 of 1,614,078 alleles (0.000062%); no homozygotes.

Submissions (2):

Labcorp Genetics (formerly Invitae), Labcorp
Classification: Uncertain significance for Luscan-Lumish syndrome. Last evaluated: 2024-03-12. Review status: criteria provided, single submitter. Criteria: Invitae Variant Classification Sherloc (09022015). Collection method: clinical testing. Allele origin: germline.
Comment: This sequence change replaces arginine, which is basic and polar, with lysine, which is basic and polar, at codon 976 of the SETD2 protein (p.Arg976Lys). This variant is present in population databases (no rsID available, gnomAD no frequency). This variant has not been reported in the literature in individuals affected with SETD2-related conditions. Advanced modeling of protein sequence and biophysical properties (such as structural, functional, and spatial information, amino acid conservation, physicochemical variation, residue mobility, and thermodynamic stability) performed at Invitae indicates that this missense variant is not expected to disrupt SETD2 protein function with a negative predictive value of 80%. In summary, the available evidence is currently insufficient to determine the role of this variant in disease. Therefore, it has been classified as a Variant of Uncertain Significance.

Ambry Genetics
Classification: Uncertain significance for Inborn genetic diseases. Last evaluated: 2023-12-08. Review status: criteria provided, single submitter. Criteria: Ambry Variant Classification Scheme 2023. Collection method: clinical testing. Allele origin: germline.

NM_014159.7(SETD2):c.2927G>A (p.Arg976Lys)

Gene: SETD2 (SET domain containing 2, histone lysine methyltransferase; minus strand). Cytogenetic location: 3p21.31.
Variant type: single nucleotide variant.
Coding change: c.2927G>A on transcript NM_014159.7 (MANE Select); coding-DNA position 2927, G replaced by A.
Protein change: p.Arg976Lys; replaces arginine 976 with lysine.
Molecular consequence: missense variant. On other transcripts: non-coding transcript variant (1).
Genome position (GRCh38, 1-based): chr3:47,121,709, C>T on the plus strand (G>A on the coding strand, the complement: SETD2 is on the minus strand). VCF-style: chr3-47121709-C-T. GRCh37 (hg19) VCF-style: chr3-47163199-C-T.
Other names: c.2795G>A, p.Arg932Lys (NM_001349370.3); short protein forms R976K, R932K.
Identifiers: ClinVar variation 3160636 (VCV003160636.3), dbSNP rs1410996770, ClinGen allele CA352524508.